The following is an entry in ClinVar:

NM_000069.3(CACNA1S):c.67A>G (p.Ile23Val)

Gene: CACNA1S (calcium voltage-gated channel subunit alpha1 S; minus strand). Cytogenetic location: 1q32.1.
Variant type: single nucleotide variant.
Coding change: c.67A>G on transcript NM_000069.3 (MANE Select); coding-DNA position 67, A replaced by G.
Protein change: p.Ile23Val; replaces isoleucine 23 with valine.
Molecular consequence: missense variant.
Genome position (GRCh38, 1-based): chr1:201,112,273, T>C on the plus strand (A>G on the coding strand, the complement: CACNA1S is on the minus strand). VCF-style: chr1-201112273-T-C. GRCh37 (hg19) VCF-style: chr1-201081401-T-C.
Other names: short protein forms I23V.
Identifiers: ClinVar variation 3761405 (VCV003761405.2).

ClinVar aggregate classification (germline): Uncertain significance (1 of 4 stars; one submission).

Conditions:
Hypokalemic periodic paralysis, type 1. Also called: Hypokalemic Periodic Paralysis Type 1 (AD); HypoPP. Identifiers: Orphanet 681, MedGen C3714580, MONDO:0042979, OMIM 170400.
Malignant hyperthermia, susceptibility to, 5 (MHS5). Also called: CACNA1S-Related Malignant Hyperthermia Susceptibility. Identifiers: Orphanet 423, MedGen C1866077, MONDO:0011163, OMIM 601887.

Submission:

Labcorp Genetics (formerly Invitae), Labcorp
Classification: Uncertain significance for Hypokalemic periodic paralysis, type 1; Malignant hyperthermia, susceptibility to, 5. Last evaluated: 2024-05-31. Review status: criteria provided, single submitter. Criteria: Invitae Variant Classification Sherloc (09022015). Collection method: clinical testing. Allele origin: germline.
Comment: This sequence change replaces isoleucine, which is neutral and non-polar, with valine, which is neutral and non-polar, at codon 23 of the CACNA1S protein (p.Ile23Val). This variant is not present in population databases (gnomAD no frequency). This variant has not been reported in the literature in individuals affected with CACNA1S-related conditions. Advanced modeling of protein sequence and biophysical properties (such as structural, functional, and spatial information, amino acid conservation, physicochemical variation, residue mobility, and thermodynamic stability) performed at Invitae indicates that this missense variant is not expected to disrupt CACNA1S protein function with a negative predictive value of 95%. In summary, the available evidence is currently insufficient to determine the role of this variant in disease. Therefore, it has been classified as a Variant of Uncertain Significance.